The following is an entry in ClinVar:

NM_152564.5(VPS13B):c.3427C>T (p.Arg1143Ter)

Gene: VPS13B (vacuolar protein sorting 13 homolog B; plus strand). Cytogenetic location: 8q22.2.
Variant type: single nucleotide variant.
Coding change: c.3427C>T on transcript NM_152564.5 (MANE Select); coding-DNA position 3427, C replaced by T.
Protein change: p.Arg1143Ter; replaces arginine 1143 with a stop codon.
Molecular consequence: nonsense.
Genome position (GRCh38, 1-based): chr8:99,442,617, C>T. VCF-style: chr8-99442617-C-T. GRCh37 (hg19) VCF-style: chr8-100454845-C-T.
Other names: c.3427C>T, p.Arg1143Ter (NM_017890.5); c.3427C>T (NM_152564.4); short protein forms R1143*.
Identifiers: ClinVar variation 56658 (VCV000056658.31), dbSNP rs386834080, ClinGen allele CA264060.

ClinVar aggregate classification (germline): Pathogenic. Review status: criteria provided, multiple submitters, no conflicts (2 of 4 stars). 14 submissions from 14 submitters: Pathogenic (12). 2 of the submissions do not count toward it. Last evaluated 2026-08-26.

Conditions:
VPS13B-related disorder. Also called: VPS13B-related condition.
Cohen syndrome (COH1). Also called: Cutis verticis gyrata, retinitis pigmentosa, and sensorineural deafness; PEPPER SYNDROME. Identifiers: Orphanet 193, MedGen C0265223, MONDO:0008999, OMIM 216550.

Allele frequency attached by ClinVar (database versions not stated): gnomAD 0.00001; TOPMed 0.00001; gnomAD exomes 0.00004; ExAC 0.00005.
gnomAD v4.1: 34 of 1,613,680 alleles (0.0021%); highest among the groups gnomAD compares: South Asian, 0.0066%; no homozygotes.

Submissions (14):

PreventionGenetics, part of Exact Sciences
Classification: Pathogenic for VPS13B-related condition. Last evaluated: 2026-08-26. Review status: criteria provided, single submitter. Criteria: ACMG Guidelines, 2015. Collection method: clinical testing. Allele origin: germline.
Comment: The VPS13B c.3427C>T variant is predicted to result in premature protein termination (p.Arg1143*). This variant was reported in individuals with Cohen syndrome (Katzaki et al. 2007. PubMed ID: 17990063; Duplomb et al. 2019. PubMed ID: 30843084; Hou et al. 2020. PubMed ID: 31980526; Wang et al. 2024. PubMed ID: 38693247. This variant is reported in 0.013% of alleles in individuals of South Asian descent in gnomAD. Nonsense variants in VPS13B are expected to be pathogenic. This variant is interpreted as pathogenic.

CeGaT Center for Human Genetics Tuebingen
Classification: Pathogenic. Last evaluated: 2025-10-01. Review status: criteria provided, single submitter. Criteria: CeGaT Center For Human Genetics Tuebingen Variant Classification Criteria Version 2. Collection method: clinical testing. Allele origin: germline. Affected: yes. Observed: 1 variant allele.
Comment: VPS13B: PVS1, PM3:Strong, PM2

Variantyx, Inc.
Classification: Pathogenic for Cohen syndrome. Last evaluated: 2025-09-30. Review status: criteria provided, single submitter. Criteria: Variantyx Assertion Criteria 2022. Collection method: clinical testing. Allele origin: germline. Inheritance: Autosomal recessive inheritance. Affected: no.
Comment: This is a nonsense variant in the VPS13B gene (OMIM: 607817). Pathogenic variants in this gene have been associated with autosomal recessive Cohen syndrome. This variant introduces a premature termination codon in exon 23 out of 62 and is expected to result in loss of function, which is a known disease mechanism for VPS13B in this disorder (PMID:15141358, 16648375, 20461111) (PVS1). This variant has been identified in the homozygous or compound heterozygous state in at least 1 individual reported in the published literature (PMID: 20461111, 17990063) (PM3) and has a 0.0066% maximum allele frequency in non-founder control populations (PM2). Based on the current evidence, this variant is classified as pathogenic for autosomal recessive Cohen syndrome.

GeneDx
Classification: Pathogenic. Last evaluated: 2025-06-05. Review status: criteria provided, single submitter. Criteria: GeneDx Variant Classification Process June 2021. Collection method: clinical testing. Allele origin: germline. Affected: yes.
Comment: Nonsense variant predicted to result in protein truncation or nonsense mediated decay in a gene for which loss of function is a known mechanism of disease; Not observed at significant frequency in large population cohorts (gnomAD); This variant is associated with the following publications: (PMID: 30843084, 25525159, 24334764, 31980526, 31589614, 38693247, 32919079, 20461111, 20656880, 17990063)

Labcorp Genetics (formerly Invitae), Labcorp
Classification: Pathogenic for Cohen syndrome. Last evaluated: 2025-06-01. Review status: criteria provided, single submitter. Criteria: Invitae Variant Classification Sherloc (09022015). Collection method: clinical testing. Allele origin: germline.
Comment: This sequence change creates a premature translational stop signal (p.Arg1143*) in the VPS13B gene. It is expected to result in an absent or disrupted protein product. Loss-of-function variants in VPS13B are known to be pathogenic (PMID: 15141358, 16648375, 20461111). This variant is present in population databases (rs386834080, gnomAD 0.01%). This premature translational stop signal has been observed in individual(s) with VPS13B-related disease (PMID: 17990063, 19006247, 20461111, 20656880). ClinVar contains an entry for this variant (Variation ID: 56658). For these reasons, this variant has been classified as Pathogenic.

Natera, Inc.
Classification: Pathogenic for Cohen syndrome. Last evaluated: 2025-01-09. Review status: criteria provided, single submitter. Criteria: Natera Variant Classification Schema (03/2026). Collection method: clinical testing. Allele origin: germline.
Comment: The c.3427C>T variant in VPS13B is a nonsense variant predicted to introduce a stop codon at amino acid 1143. This variant is expected to result in nonsense mediated decay, truncation, or a dysfunctional protein product. This variant is rare in the general population with a frequency below the threshold expected for the associated phenotype(s). This variant has been observed in one or more individuals affected with the associated recessive disease, as either homozygous or compound heterozygous with a second variant (PMID: 17990063, 20461111, 32919079). This variant has been observed to segregate in affected family members (PMID: 32919079). Given the available evidence, this variant is classified as Pathogenic.

Fulgent Genetics
Classification: Pathogenic for Cohen syndrome. Last evaluated: 2024-05-21. Review status: criteria provided, single submitter. Criteria: ACMG Guidelines, 2015. Collection method: clinical testing. Allele origin: germline.

Genomic Medicine Center of Excellence, King Faisal Specialist Hospital and Research Centre
Classification: Pathogenic for Cohen syndrome. Last evaluated: 2024-03-17. Review status: criteria provided, single submitter. Criteria: ACMG Guidelines, 2015. Collection method: research. Allele origin: germline.

Blueprint Genetics
Classification: Pathogenic for VPS13B-related disorders. Last evaluated: 2024-02-12. Review status: criteria provided, single submitter. Criteria: ACMG Guidelines, 2015. Collection method: clinical testing. Allele origin: germline. Affected: yes. Observed: 5 variant alleles.

Laboratory of Medical Genetics, National & Kapodistrian University of Athens
Classification: Pathogenic for Cohen syndrome. Last evaluated: 2024-02-01. Review status: criteria provided, single submitter. Criteria: ACMG Guidelines, 2015. Collection method: curation. Allele origin: germline. Affected: no.

Women's Health and Genetics/Laboratory Corporation of America, LabCorp
Classification: Pathogenic for Cohen syndrome. Last evaluated: 2020-01-06. Review status: criteria provided, single submitter. Criteria: LabCorp Variant Classification Summary - May 2015. Collection method: clinical testing. Allele origin: germline.
Comment: Variant summary: VPS13B c.3427C>T (p.Arg1143X) results in a premature termination codon, predicted to cause a truncation of the encoded protein or absence of the protein due to nonsense mediated decay, which are commonly known mechanisms for disease. Truncations downstream of this position have been classified as pathogenic by our laboratory. The variant allele was found at a frequency of 4e-05 in 251098 control chromosomes (gnomAD). This frequency is not significantly higher than expected for a pathogenic variant in VPS13B causing Cohen Syndrome (4e-05 vs 0.0025), allowing no conclusion about variant significance. c.3427C>T has been reported in the literature in individuals affected with Cohen Syndrome (Katzaki_2007, El Chehadeh-Djebbar_2010). These data indicate that the variant is associated with disease. To our knowledge, no experimental evidence demonstrating an impact on protein function has been reported. Three ClinVar submitters (evaluation after 2014) cite the variant as pathogenic (2x) and likely pathogenic (1x). Based on the evidence outlined above, the variant was classified as pathogenic.

Juno Genomics, Hangzhou Juno Genomics, Inc
Classification: Pathogenic for Cohen syndrome. Review status: criteria provided, single submitter. Criteria: ACMG Guidelines, 2015. Collection method: clinical testing. Allele origin: germline.
Comment: Absent from controls (or at extremely low frequency if recessive) in Genome Aggregation Database.;Null variant in a gene where loss of function (LOF) is a known mechanism of disease.;For recessive disorders, detected in trans with a pathogenic variant.

Counsyl
Classification: Likely pathogenic for Cohen syndrome. Last evaluated: 2015-03-17. Review status: no assertion criteria provided. Collection method: clinical testing. Allele origin: unknown. Not counted in ClinVar's aggregate classification.

Juha Muilu Group; Institute for Molecular Medicine Finland (FIMM)
Classification: Likely pathogenic for Cohen syndrome. Review status: no assertion criteria provided. Collection method: not provided. Allele origin: unknown. Not counted in ClinVar's aggregate classification.
Comment: FinDis database variant: This variant was not found or characterized by our laboratory, data were collected from public sources: see reference
ClinVar note: Converted during submission from probable-pathogenic to Likely pathogenic.

Literature cited by the submitters: PubMed 20461111 (cited by 4 submitters); PubMed 17990063 (cited by 5 submitters); PubMed 15141358 (cited by Labcorp Genetics (formerly Invitae), Labcorp); PubMed 16648375 (cited by Labcorp Genetics (formerly Invitae), Labcorp); PubMed 19006247 (cited by Labcorp Genetics (formerly Invitae), Labcorp and Women's Health and Genetics/Laboratory Corporation of America, LabCorp); PubMed 20656880 (cited by 3 submitters); PubMed 32919079 (cited by Natera, Inc.); PubMed 23188044 (cited by Women's Health and Genetics/Laboratory Corporation of America, LabCorp); PubMed 24334764 (cited by Women's Health and Genetics/Laboratory Corporation of America, LabCorp); PubMed 21330571 (cited by Women's Health and Genetics/Laboratory Corporation of America, LabCorp).